The following is an entry in ClinVar:

ClinVar aggregate classification (germline): Pathogenic (1 of 4 stars; one submission).

Conditions:
Neurofibromatosis, type 1 (NF1). Also called: VON RECKLINGHAUSEN DISEASE; NEUROFIBROMATOSIS, TYPE I, SOMATIC; Neurofibromatosis, type I; Peripheral type neurofibromatosis. Identifiers: Orphanet 636, MedGen C0027831, MONDO:0018975, OMIM 162200. Disease mechanism: loss of function.

Submission:

Labcorp Genetics (formerly Invitae), Labcorp
Classification: Pathogenic for Neurofibromatosis, type 1. Last evaluated: 2022-10-08. Review status: criteria provided, single submitter. Criteria: Invitae Variant Classification Sherloc (09022015). Collection method: clinical testing. Allele origin: germline.
Comment: This variant is not present in population databases (gnomAD no frequency). This sequence change creates a premature translational stop signal (p.Asp1464Glyfs*6) in the NF1 gene. It is expected to result in an absent or disrupted protein product. Loss-of-function variants in NF1 are known to be pathogenic (PMID: 10712197, 23913538). For these reasons, this variant has been classified as Pathogenic. This variant has not been reported in the literature in individuals affected with NF1-related conditions.

Literature cited by the submitters: PubMed 10712197; PubMed 23913538.

NM_001042492.3(NF1):c.4453dup (p.Asp1485fs)

Gene: NF1 (neurofibromin 1; plus strand). Cytogenetic location: 17q11.2.
Variant type: Duplication.
Coding change: c.4453dup on transcript NM_001042492.3 (MANE Select); coding-DNA position 4453, one base duplicated (G; older notation c.4453dupG).
Protein change: p.Asp1485fs; shifts the reading frame from aspartic acid 1485.
Molecular consequence: frameshift variant.
Genome position (GRCh38, 1-based): chr17:31,260,391, G duplicated. VCF-style (leftmost placement, unchanged base first): chr17-31260390-T-TG. GRCh37 (hg19) VCF-style: chr17-29587408-T-TG.
Other names: c.4390dup, p.Asp1464Glyfs (NM_000267.4); short protein forms D1464fs, D1485fs.
Identifiers: ClinVar variation 2034842 (VCV002034842.4), dbSNP rs2508420738, ClinGen allele CA2580093077.